The following is an entry in ClinVar:

ClinVar aggregate classification (germline): Likely benign (1 of 4 stars; one submission).

gnomAD v4.1: 56 of 152,076 alleles (0.037%); highest among the groups gnomAD compares: Non-Finnish European, 0.063%; 1 homozygote.

Submission:

CeGaT Center for Human Genetics Tuebingen
Classification: Likely benign. Last evaluated: 2026-04-01. Review status: criteria provided, single submitter. Criteria: CeGaT Center For Human Genetics Tuebingen Variant Classification Criteria Version 2. Collection method: clinical testing. Allele origin: germline. Affected: yes. Observed: 3 variant alleles.
Comment: PMS2: BP4, BP7

NM_000535.7(PMS2):c.24-441A>C

Gene: PMS2 (PMS1 homolog 2, mismatch repair system component; minus strand). Cytogenetic location: 7p22.1.
Variant type: single nucleotide variant.
Coding change: c.24-441A>C on transcript NM_000535.7 (MANE Select); 441 bases into the intron before coding-DNA position 24, A replaced by C.
Molecular consequence: intron variant. On other transcripts: synonymous variant (1), 5 prime UTR variant (3).
Genome position (GRCh38, 1-based): chr7:6,006,472, T>G on the plus strand (A>C on the coding strand, the complement: PMS2 is on the minus strand). VCF-style: chr7-6006472-T-G. GRCh37 (hg19) VCF-style: chr7-6046103-T-G.
Other names: c.24-441A>C (NM_001406870.1, NM_001406872.1, NM_001406871.1 and 10 more transcripts); c.-461-441A>C (NM_001406878.1, NM_001406882.1, NM_001406875.1); c.-382-441A>C (NM_001406893.1, NM_001406898.1, NM_001322005.2); c.-377-446A>C (NM_001406897.1, NM_001322009.2, NM_001322013.2 and 6 more transcripts); c.-329-441A>C (NM_001406894.1, NM_001406909.1, NM_001406907.1 and 2 more transcripts); c.39A>C, p.Ser13= (NM_001406866.1); c.-613A>C (NM_001406877.1); c.-534A>C (NM_001406891.1); and 15 more.
Identifiers: ClinVar variation 3771936 (VCV003771936.13).